The following is an entry in ClinVar:

ClinVar aggregate classification (germline): Uncertain significance. Review status: criteria provided, multiple submitters, no conflicts (2 of 4 stars). 3 submissions from 3 submitters: Uncertain significance (3). Last evaluated 2025-05-06.

Conditions:
Neuropathy, hereditary sensory and autonomic, type 2A (HSAN2A). Also called: ACROOSTEOLYSIS, GIACCAI TYPE; ACROOSTEOLYSIS, NEUROGENIC; MORVAN DISEASE; NEUROPATHY, CONGENITAL SENSORY; NEUROPATHY, HEREDITARY SENSORY RADICULAR, AUTOSOMAL RECESSIVE; NEUROPATHY, HEREDITARY SENSORY, TYPE IIA. Identifiers: Orphanet 970, MedGen C2752089, MONDO:0024309, OMIM 201300.
Pseudohypoaldosteronism type 2C (PHA2C). Also called: Pseudohypoaldosteronism Type IIC. Identifiers: Orphanet 757, Orphanet 88940, MedGen C1840391, MONDO:0013778, OMIM 614492.

Submissions (3):

Women's Health and Genetics/Laboratory Corporation of America, LabCorp
Classification: Uncertain significance. Last evaluated: 2025-05-06. Review status: criteria provided, single submitter. Criteria: LabCorp Variant Classification Summary - May 2015. Collection method: clinical testing. Allele origin: germline.
Comment: Variant summary: WNK1 c.2139+3028_2139+3044del17 is located at a position not widely known to affect splicing. Several computational tools predict a significant impact on normal splicing: Two predict the variant abolishes a cryptic 3' acceptor site. One predict the variant weakens a cryptic 3' acceptor site. However, these predictions have yet to be confirmed by functional studies. This variant is also known as c.2328_2344del17 (p.Pro777SerfsX42) in alternate transcript NM_213655. The variant allele was found at a frequency of 5.2e-06 in 1536008 control chromosomes. The available data on variant occurrences in the general population are insufficient to allow any conclusion about variant significance. To our knowledge, no occurrence of c.2139+3028_2139+3044del17 in individuals affected with Neuropathy, hereditary sensory and autonomic, type 2A and no experimental evidence demonstrating its impact on protein function have been reported. ClinVar contains an entry for this variant (Variation ID: 1420294). Based on the evidence outlined above, the variant was classified as uncertain significance.

Fulgent Genetics
Classification: Uncertain significance for Neuropathy, hereditary sensory and autonomic, type 2A; Pseudohypoaldosteronism type 2C. Last evaluated: 2021-10-22. Review status: criteria provided, single submitter. Criteria: ACMG Guidelines, 2015. Collection method: clinical testing. Allele origin: unknown.

Labcorp Genetics (formerly Invitae), Labcorp
Classification: Uncertain significance for Neuropathy, hereditary sensory and autonomic, type 2A; Pseudohypoaldosteronism type 2C. Last evaluated: 2020-11-21. Review status: criteria provided, single submitter. Criteria: Invitae Variant Classification Sherloc (09022015). Collection method: clinical testing. Allele origin: germline.
Comment: This sequence change creates a premature translational stop signal (p.Pro777Serfs*42) in the WNK1 gene. However, it is currently unclear if variants that occur in this region of the gene cause disease. The frequency data for this variant in the population databases is considered unreliable, as metrics indicate insufficient coverage at this position in the ExAC database. This variant has not been reported in the literature in individuals with WNK1-related conditions. In summary, the available evidence is currently insufficient to determine the role of this variant in disease. Therefore, it has been classified as a Variant of Uncertain Significance.

NM_213655.5(WNK1):c.2328_2344del (p.Pro777fs)

Gene: WNK1 (WNK lysine deficient protein kinase 1; plus strand). Cytogenetic location: 12p13.33.
Variant type: Deletion.
Coding change: c.2328_2344del on transcript NM_213655.5 (MANE Plus Clinical); coding-DNA positions 2328 to 2344, 17 bases deleted (GCCTATGCACTCTGCCT).
Protein change: p.Pro777fs; shifts the reading frame from proline 777.
Molecular consequence: frameshift variant. On other transcripts: intron variant (3).
Genome position (GRCh38, 1-based): chr12:865,298-865,314, GCCTATGCACTCTGCCT deleted; deleting any 17 consecutive bases within chr12:865,295-865,314 gives the same sequence; the c. name uses the placement nearest the transcript's 3' end. VCF-style (leftmost placement, unchanged base first): chr12-865294-TCCTGCCTATGCACTCTG-T. GRCh37 (hg19) VCF-style: chr12-974460-TCCTGCCTATGCACTCTG-T.
Other names: c.2140-2568_2140-2552del (NM_001184985.2); c.2139+3028_2139+3044del (NM_018979.4, NM_014823.3); c.2139+3028_2139+3044del17 (NM_018979.4); short protein forms P777fs.
Identifiers: ClinVar variation 1420294 (VCV001420294.10), dbSNP rs1371980928, ClinGen allele CA603036592.